The following is an entry in ClinVar:

NM_001199107.2(TBC1D24):c.49G>A (p.Ala17Thr)

Gene: TBC1D24 (TBC1 domain family member 24; plus strand). Cytogenetic location: 16p13.3.
Variant type: single nucleotide variant.
Coding change: c.49G>A on transcript NM_001199107.2 (MANE Select); coding-DNA position 49, G replaced by A.
Protein change: p.Ala17Thr; replaces alanine 17 with threonine.
Molecular consequence: missense variant.
Genome position (GRCh38, 1-based): chr16:2,496,197, G>A. VCF-style: chr16-2496197-G-A. GRCh37 (hg19) VCF-style: chr16-2546198-G-A.
Other names: c.49G>A, p.Ala17Thr (NM_020705.3); short protein forms A17T.
Identifiers: ClinVar variation 1006265 (VCV001006265.32), dbSNP rs757359393, ClinGen allele CA7843913.

ClinVar aggregate classification (germline): Conflicting classifications of pathogenicity. Review status: criteria provided, conflicting classifications (1 of 4 stars). 3 submissions from 3 submitters: Uncertain significance (2); Likely benign (1). Last evaluated 2025-11-10.

Conditions:
Developmental and epileptic encephalopathy, 1 (DEE1). Also called: OHTAHARA SYNDROME, X-LINKED; INFANTILE SPASM SYNDROME, X-LINKED 1; X-linked infantile spasms; West's syndrome; Tonic spasms with clustering, arrest of psychomotor development and hypsarrhythmia on EEG; X-Linked Infantile Spasm Syndrome. Identifiers: MedGen C3463992, MONDO:0010632, OMIM 308350. Disease mechanism: loss of function.
Autosomal dominant nonsyndromic hearing loss 65. Also called: TBC1D24-Related Autosomal Dominant Nonsyndromic Hearing Loss (DFNA); Deafness, autosomal dominant 65. Identifiers: Orphanet 90635, MedGen C3892048, MONDO:0014470, OMIM 616044.

Allele frequency attached by ClinVar (database versions not stated): gnomAD 0.00001; gnomAD exomes 0.00001 and 0.00003; TOPMed 0.00001; ExAC 0.00004.
gnomAD v4.1: 16 of 1,613,824 alleles (0.00099%); highest among the groups gnomAD compares: African/African-American, 0.0013%; no homozygotes.

Submissions (3):

Labcorp Genetics (formerly Invitae), Labcorp
Classification: Uncertain significance for Developmental and epileptic encephalopathy, 1; Autosomal dominant nonsyndromic hearing loss 65. Last evaluated: 2025-11-10. Review status: criteria provided, single submitter. Criteria: Invitae Variant Classification Sherloc (09022015). Collection method: clinical testing. Allele origin: germline.
Comment: This sequence change replaces alanine, which is neutral and non-polar, with threonine, which is neutral and polar, at codon 17 of the TBC1D24 protein (p.Ala17Thr). This variant is present in population databases (rs757359393, gnomAD 0.006%). This variant has not been reported in the literature in individuals affected with TBC1D24-related conditions. ClinVar contains an entry for this variant (Variation ID: 1006265). Invitae Evidence Modeling of protein sequence and biophysical properties (such as structural, functional, and spatial information, amino acid conservation, physicochemical variation, residue mobility, and thermodynamic stability) indicates that this missense variant is not expected to disrupt TBC1D24 protein function with a negative predictive value of 95%. In summary, the available evidence is currently insufficient to determine the role of this variant in disease. Therefore, it has been classified as a Variant of Uncertain Significance.

Blueprint Genetics
Classification: Uncertain significance. Last evaluated: 2024-07-16. Review status: criteria provided, single submitter. Criteria: ACMG Guidelines, 2015. Collection method: clinical testing. Allele origin: germline.

CeGaT Center for Human Genetics Tuebingen
Classification: Likely benign. Last evaluated: 2022-12-01. Review status: criteria provided, single submitter. Criteria: CeGaT Center For Human Genetics Tuebingen Variant Classification Criteria Version 2. Collection method: clinical testing. Allele origin: germline. Affected: yes. Observed: 1 variant allele.
Comment: TBC1D24: BP4